The following is an entry in ClinVar:

ClinVar aggregate classification (germline): Uncertain significance (0 of 4 stars; one submission).

Conditions:
PKD1L1-related disorder. Also called: PKD1L1-related condition.

Submission:

PreventionGenetics, part of Exact Sciences
Classification: Uncertain significance for PKD1L1-related condition. Last evaluated: 2024-08-08. Review status: no assertion criteria provided. Collection method: clinical testing. Allele origin: germline.
Comment: The PKD1L1 c.4701G>C variant is not predicted to result in an amino acid change (p.=). To our knowledge, this variant has not been reported in the literature or in a large population database, indicating this variant is rare. At this time, the clinical significance of this variant is uncertain due to the absence of conclusive functional and genetic evidence.

NM_138295.5(PKD1L1):c.4701G>C (p.Leu1567=)

Gene: PKD1L1 (polycystin 1 like 1, transient receptor potential channel interacting; minus strand). Cytogenetic location: 7p12.3.
Variant type: single nucleotide variant.
Coding change: c.4701G>C on transcript NM_138295.5 (MANE Select); coding-DNA position 4701, G replaced by C.
Protein change: p.Leu1567=; no amino-acid change (leucine 1567 retained).
Molecular consequence: synonymous variant.
Genome position (GRCh38, 1-based): chr7:47,855,155, C>G on the plus strand (G>C on the coding strand, the complement: PKD1L1 is on the minus strand). VCF-style: chr7-47855155-C-G. GRCh37 (hg19) VCF-style: chr7-47894753-C-G.
Identifiers: ClinVar variation 3344133 (VCV003344133.1).